The following is an entry in ClinVar:

ClinVar aggregate classification (germline): Likely pathogenic (1 of 4 stars; one submission).

Submission:

GeneDx
Classification: Likely pathogenic. Last evaluated: 2012-08-08. Review status: criteria provided, single submitter. Criteria: GeneDx Variant Classification (06012015). Collection method: clinical testing. Allele origin: germline. Affected: yes.
Comment: p.Arg581Leu (CGA>CTA):c.1742 G>T in exon 15 of the KCNQ2 gene (NM_172107.2) The Arg581Leu missense change has not been published as a mutation, nor has it been reported as a benign polymorphism to our knowledge. The NHLBI ESP Exome Variant Project has not identified Arg581Leu in approximately 6,500 individuals of European or African American ethnicity, indicating that it is not a common benign variant in these populations. The amino acid substitution is non-conservative, as a positively charged Arginine residue is replaced by an uncharged, non-polar Leucine residue. Arg581Leu alters a position in the subunit interaction domain that is highly conserved across species and in related proteins. Additionally, multiple in silico algorithms predict that Arg581Leu may be damaging to protein structure/function. Therefore, based on the currently available information, Arg581Leu is a strong candidate for a disease-causing mutation, although the possibility that it is a benign variant cannot be excluded. The variant is found in INFANT-EPI panel(s).

NM_172107.4(KCNQ2):c.1742G>T (p.Arg581Leu)

Gene: KCNQ2 (potassium voltage-gated channel subfamily Q member 2; minus strand). Cytogenetic location: 20q13.33.
Variant type: single nucleotide variant.
Coding change: c.1742G>T on transcript NM_172107.4 (MANE Select); coding-DNA position 1742, G replaced by T.
Protein change: p.Arg581Leu; replaces arginine 581 with leucine.
Molecular consequence: missense variant.
Genome position (GRCh38, 1-based): chr20:63,413,471, C>A on the plus strand (G>T on the coding strand, the complement: KCNQ2 is on the minus strand). VCF-style: chr20-63413471-C-A. GRCh37 (hg19) VCF-style: chr20-62044824-C-A.
Other names: p.R581L:CGA>CTA; c.1688G>T, p.Arg563Leu (NM_001382235.1, NM_172106.3); c.1685G>T, p.Arg562Leu (NM_001439003.1); c.1655G>T, p.Arg552Leu (NM_001439004.1); c.1658G>T, p.Arg553Leu (NM_004518.6); c.1649G>T, p.Arg550Leu (NM_172108.5); short protein forms R581L, R550L, R553L, R563L, R552L, R562L.
Identifiers: ClinVar variation 205920 (VCV000205920.4), dbSNP rs118192235, ClinGen allele CA315492.